The following is an entry in ClinVar:

NM_020975.6(RET):c.2112C>G (p.Val704=)

Gene: RET (ret proto-oncogene; plus strand). Cytogenetic location: 10q11.21.
Variant type: single nucleotide variant.
Coding change: c.2112C>G on transcript NM_020975.6 (MANE Select); coding-DNA position 2112, C replaced by G.
Protein change: p.Val704=; no amino-acid change (valine 704 retained).
Molecular consequence: synonymous variant.
Genome position (GRCh38, 1-based): chr10:43,114,712, C>G. VCF-style: chr10-43114712-C-G. GRCh37 (hg19) VCF-style: chr10-43610160-C-G.
Other names: c.927C>G, p.Val309= (NM_001406790.1, NM_001406788.1, NM_001406789.1); c.807C>G, p.Val269= (NM_001406791.1); c.663C>G, p.Val221= (NM_001406792.1, NM_001406793.1, NM_001406794.1); c.2112C>G, p.Val704= (NM_020629.2, NM_020630.7, NM_000323.2 and 4 more transcripts); c.1350C>G, p.Val450= (NM_001355216.2); c.1983C>G, p.Val661= (NM_001406761.1, NM_001406762.1, NM_001406764.1); c.1977C>G, p.Val659= (NM_001406763.1, NM_001406765.1); c.1824C>G, p.Val608= (NM_001406766.1, NM_001406767.1, NM_001406770.1); and 10 more.
Identifiers: ClinVar variation 1080953 (VCV001080953.13), dbSNP rs1209925911, ClinGen allele CA469480000.

ClinVar aggregate classification (germline): Benign/Likely benign. Review status: criteria provided, multiple submitters, no conflicts (2 of 4 stars). 4 submissions from 4 submitters: Benign (1); Likely benign (3). Last evaluated 2025-11-15.

Conditions:
Hereditary cancer-predisposing syndrome. Also called: Hereditary Cancer Syndrome; Hereditary neoplastic syndrome; Tumor predisposition; Neoplastic Syndromes, Hereditary. Identifiers: Orphanet 140162, MedGen C0027672, MeSH D009386, MONDO:0015356.
Multiple endocrine neoplasia type 2A. Also called: Multiple Endocrine Neoplasia Type 2A (MEN2A); MULTIPLE ENDOCRINE NEOPLASIA, TYPE IIA; PTC SYNDROME; SIPPLE SYNDROME; MEN 2A; MEN-2A syndrome. Identifiers: Orphanet 247698, Orphanet 653, MedGen C0025268, MeSH D018813, MONDO:0008234, OMIM 171400.
Multiple endocrine neoplasia, type 2 (MEN2). Identifiers: Orphanet 653, MedGen C4048306, MONDO:0019003. Disease mechanism: gain of function.

Allele frequency attached by ClinVar (database versions not stated): gnomAD exomes 0.00001.
gnomAD v4.1: 4 of 1,611,534 alleles (0.00025%); highest among the groups gnomAD compares: Admixed American, 0.0067%; no homozygotes.

Submissions (4):

Ambry Genetics
Classification: Likely benign for Hereditary cancer-predisposing syndrome. Last evaluated: 2025-11-15. Review status: criteria provided, single submitter. Criteria: Ambry Variant Classification Scheme 2023. Collection method: clinical testing. Allele origin: germline.

Myriad Genetics, Inc.
Classification: Benign for Multiple endocrine neoplasia type 2A. Last evaluated: 2025-02-26. Review status: criteria provided, single submitter. Criteria: Myriad Autosomal Dominant, Autosomal Recessive and X-Linked Classification Criteria (2023). Collection method: clinical testing. Allele origin: unknown.
Comment: This variant is considered benign. This variant is a silent/synonymous amino acid change and it is not expected to impact splicing.

All of Us Research Program, National Institutes of Health
Classification: Likely benign for Multiple endocrine neoplasia, type 2. Last evaluated: 2024-05-30. Review status: criteria provided, single submitter. Criteria: ACMG Guidelines, 2015. Collection method: clinical testing. Allele origin: germline. Inheritance: Autosomal dominant inheritance. Observed: 1 variant allele, 1 heterozygote.
Comment: This study involves interpretation of variants in research participants for the purpose of population health screening. Participant phenotype was not available at the time of variant classification. Additional details can be found in publication PMID: 35346344, PMCID: PMC8962531

Labcorp Genetics (formerly Invitae), Labcorp
Classification: Likely benign for Multiple endocrine neoplasia, type 2. Last evaluated: 2023-12-03. Review status: criteria provided, single submitter. Criteria: Invitae Variant Classification Sherloc (09022015). Collection method: clinical testing. Allele origin: germline.